The following is an entry in ClinVar:

ClinVar aggregate classification (germline): Uncertain significance. Review status: criteria provided, multiple submitters, no conflicts (2 of 4 stars). 3 submissions from 3 submitters: Uncertain significance (3). Last evaluated 2025-12-18.

Conditions:
Cardiovascular phenotype. Identifiers: MedGen CN230736.

Allele frequency attached by ClinVar (database versions not stated): ExAC 0.00001; gnomAD exomes 0.00001; gnomAD 0.00002; TOPMed 0.00002.
gnomAD v4.1: 12 of 1,613,984 alleles (0.00074%); highest among the groups gnomAD compares: African/African-American, 0.0013%; no homozygotes.

Submissions (3):

Ambry Genetics
Classification: Uncertain significance for Cardiovascular phenotype. Last evaluated: 2025-12-18. Review status: criteria provided, single submitter. Criteria: Ambry Variant Classification Scheme 2023. Collection method: clinical testing. Allele origin: germline.

Blueprint Genetics
Classification: Uncertain significance. Last evaluated: 2024-08-29. Review status: criteria provided, single submitter. Criteria: ACMG Guidelines, 2015. Collection method: clinical testing. Allele origin: germline.

GeneDx
Classification: Uncertain significance. Last evaluated: 2021-09-02. Review status: criteria provided, single submitter. Criteria: GeneDx Variant Classification Process June 2021. Collection method: clinical testing. Allele origin: germline. Affected: yes.
Comment: Has not been previously published as pathogenic or benign to our knowledge; Not observed at a significant frequency in large population cohorts (Lek et al., 2016); In silico analysis supports that this missense variant does not alter protein structure/function; Located in exon 38, which is reported as being expressed in a brain-specific transcript (Otto et al, 1991; Cunha et al, 2008; Wu et al, 2015)

NM_001148.6(ANK2):c.6584G>A (p.Ser2195Asn)

Gene: ANK2 (ankyrin 2; plus strand). Cytogenetic location: 4q26.
Variant type: single nucleotide variant.
Coding change: c.6584G>A on transcript NM_001148.6 (MANE Select); coding-DNA position 6584, G replaced by A.
Protein change: p.Ser2195Asn; replaces serine 2195 with asparagine.
Molecular consequence: missense variant. On other transcripts: intron variant (68).
Genome position (GRCh38, 1-based): chr4:113,355,202, G>A. VCF-style: chr4-113355202-G-A. GRCh37 (hg19) VCF-style: chr4-114276358-G-A.
Other names: c.4396+4953G>A (NM_001354239.2, NM_001354252.2); c.4297+4953G>A (NM_001354272.2); c.4360+4953G>A (NM_001354244.2, NM_001354256.2, NM_001386161.1); c.4399+4953G>A (NM_001127493.3); c.4363+4953G>A (NM_001386143.1, NM_001354243.2, NM_001354255.2); c.4264+4953G>A (NM_001354262.2, NM_001354275.2, NM_001354245.2); c.4201+4953G>A (NM_001354253.2, NM_001354270.2); c.4165+4953G>A (NM_001354257.2, NM_001386156.1); and 35 more; short protein forms S2195N, S2117N, S2234N, S2242N, S995N.
Identifiers: ClinVar variation 180271 (VCV000180271.6), dbSNP rs730880047, ClinGen allele CA346174.
Genomic context (GRCh38, chr4:113,355,202, plus strand): 5'-ACACAACATTTCCACTCGACTACATGAAAGATGAGTTCCTTCCAGCTCTGTCTTTACAAA[G>A]CGGTGCTTTAGATGGCAGTTCTGAAAGCCTAAAGAATGAGGGGGTAGCCGGCTCTCCGTG-3'
Protein context (NP_001139.3, residues 2185-2205): DEFLPALSLQ[Ser2195Asn]GALDGSSESL